The following is an entry in ClinVar:

NM_020937.4(FANCM):c.478A>G (p.Ile160Val)

Gene: FANCM (FA complementation group M; plus strand). Cytogenetic location: 14q21.2.
Variant type: single nucleotide variant.
Coding change: c.478A>G on transcript NM_020937.4 (MANE Select); coding-DNA position 478, A replaced by G.
Protein change: p.Ile160Val; replaces isoleucine 160 with valine.
Molecular consequence: missense variant.
Genome position (GRCh38, 1-based): chr14:45,136,509, A>G. VCF-style: chr14-45136509-A-G. GRCh37 (hg19) VCF-style: chr14-45605712-A-G.
Other names: c.478A>G, p.Ile160Val (NM_001308133.2, NM_001308134.2); short protein forms I160V.
Identifiers: ClinVar variation 4254704 (VCV004254704.1).
Genomic context (GRCh38, chr14:45,136,509, plus strand): 5'-ATGGCCCCAACGAAACCCTTGGTGACACAGCAGATCGAGGCTTGCTACCAGGTGATGGGT[A>G]TCCCGCAATCCCACATGGCCGAAATGACAGGTATCTTAGACTGGACTAATTTTGAAGTAA-3'
Protein context (NP_065988.1, residues 150-170): QIEACYQVMG[Ile160Val]PQSHMAEMTG

ClinVar aggregate classification (germline): Uncertain significance (1 of 4 stars; one submission).

Conditions:
Inborn genetic diseases. Identifiers: MedGen C0950123, MeSH D030342.

Submission:

Ambry Genetics
Classification: Uncertain significance for Inborn genetic diseases. Last evaluated: 2025-08-25. Review status: criteria provided, single submitter. Criteria: Ambry Variant Classification Scheme 2023. Collection method: clinical testing. Allele origin: germline.
Comment: The p.I160V variant (also known as c.478A>G), located in coding exon 1 of the FANCM gene, results from an A to G substitution at nucleotide position 478. The isoleucine at codon 160 is replaced by valine, an amino acid with highly similar properties. This amino acid position is conserved. In addition, this alteration is predicted to be tolerated by in silico analysis. Based on the available evidence, the clinical significance of this variant remains unclear.